The following is an entry in ClinVar:

NM_004329.3(BMPR1A):c.679C>T (p.Gln227Ter)

Gene: BMPR1A (bone morphogenetic protein receptor type 1A; plus strand). Cytogenetic location: 10q23.2.
Variant type: single nucleotide variant.
Coding change: c.679C>T on transcript NM_004329.3 (MANE Select); coding-DNA position 679, C replaced by T.
Protein change: p.Gln227Ter; replaces glutamine 227 with a stop codon.
Molecular consequence: nonsense. On other transcripts: non-coding transcript variant (3), intron variant (1).
Genome position (GRCh38, 1-based): chr10:86,917,137, C>T. VCF-style: chr10-86917137-C-T. GRCh37 (hg19) VCF-style: chr10-88676894-C-T.
Other names: c.754C>T, p.Gln252Ter (NM_001406559.1); c.727C>T, p.Gln243Ter (NM_001406560.1); c.679C>T, p.Gln227Ter (NM_001406561.1, NM_001406564.1, NM_001406566.1 and 19 more transcripts); c.595C>T, p.Gln199Ter (NM_001406584.1, NM_001406585.1, NM_001406586.1 and 2 more transcripts); c.337C>T, p.Gln113Ter (NM_001406589.1); c.676-3C>T (NM_001406583.1); short protein forms Q199*, Q227*, Q243*, Q252*, Q113*.
Identifiers: ClinVar variation 4623159 (VCV004623159.1).

ClinVar aggregate classification (germline): Pathogenic (1 of 4 stars; one submission).

Conditions:
Hereditary cancer-predisposing syndrome. Also called: Neoplastic Syndromes, Hereditary; Tumor predisposition; Hereditary Cancer Syndrome; Hereditary neoplastic syndrome. Identifiers: Orphanet 140162, MedGen C0027672, MeSH D009386, MONDO:0015356.

Submission:

Ambry Genetics
Classification: Pathogenic for Hereditary cancer-predisposing syndrome. Last evaluated: 2025-09-16. Review status: criteria provided, single submitter. Criteria: Ambry Variant Classification Scheme 2023. Collection method: clinical testing. Allele origin: germline.
Comment: The p.Q227* pathogenic mutation (also known as c.679C>T), located in coding exon 7 of the BMPR1A gene, results from a C to T substitution at nucleotide position 679. This changes the amino acid from a glutamine to a stop codon within coding exon 7. This variant was reported in individual(s) with features consistent with Juvenile Polyposis Syndrome (Ambry internal data). This variant is considered to be rare based on population cohorts in the Genome Aggregation Database (gnomAD). This alteration is expected to result in loss of function by premature protein truncation or nonsense-mediated mRNA decay. As such, this alteration is interpreted as a disease-causing mutation.